The following is an entry in ClinVar:

ClinVar aggregate classification (germline): Uncertain significance (1 of 4 stars; one submission).

Conditions:
Neuroocular syndrome 1 (NOC1). Identifiers: Orphanet 659904, MedGen C5925133, MONDO:0971007, OMIM 619539.

Submission:

Juno Genomics, Hangzhou Juno Genomics, Inc
Classification: Uncertain significance for Neuroocular syndrome 1. Review status: criteria provided, single submitter. Criteria: ACMG Guidelines, 2015. Collection method: clinical testing. Allele origin: germline.
Comment: Absent from controls (or at extremely low frequency if recessive) in Genome Aggregation Database.;Protein length changes due to in-frame deletions/insertions in a non-repeat region or stop-loss variants.

NM_020719.3(PRR12):c.2346_2348del (p.Leu783del)

Gene: PRR12 (proline rich 12; plus strand). Cytogenetic location: 19q13.33.
Variant type: Deletion.
Coding change: c.2346_2348del on transcript NM_020719.3 (MANE Select); coding-DNA positions 2346 to 2348, 3 bases deleted (TCT; older notation c.2346_2348delTCT).
Protein change: p.Leu783del; deletes leucine 783.
Molecular consequence: inframe deletion.
Genome position (GRCh38, 1-based): chr19:49,596,681-49,596,683, TCT deleted; deleting any 3 consecutive bases within chr19:49,596,679-49,596,683 gives the same sequence; the c. name uses the placement nearest the transcript's 3' end. VCF-style (leftmost placement, unchanged base first): chr19-49596678-CCTT-C. GRCh37 (hg19) VCF-style: chr19-50099935-CCTT-C.
Other names: short protein forms L783del.
Identifiers: ClinVar variation 5006017 (VCV005006017.2).
Genomic context (GRCh38, chr19:49,596,678, plus strand): 5'-AAAGAGCCCTCCGCCCCCACCTCCCACGGCCCAGTCTACCCAGCCCACTCCCCATGGCCT[CCTT>C]CTGGAGGCCGGGGGCCCTGACCTCCCACTGGTGCTGCCTCCGCCTCCCCCCCAGCTGCTC-3'